The following is an entry in ClinVar:

NM_000350.3(ABCA4):c.6221G>T (p.Gly2074Val)

Gene: ABCA4 (ATP binding cassette subfamily A member 4; minus strand). Cytogenetic location: 1p22.1.
Variant type: single nucleotide variant.
Coding change: c.6221G>T on transcript NM_000350.3 (MANE Select); coding-DNA position 6221, G replaced by T.
Protein change: p.Gly2074Val; replaces glycine 2074 with valine.
Molecular consequence: missense variant.
Genome position (GRCh38, 1-based): chr1:94,001,919, C>A on the plus strand (G>T on the coding strand, the complement: ABCA4 is on the minus strand). VCF-style: chr1-94001919-C-A. GRCh37 (hg19) VCF-style: chr1-94467475-C-A.
Other names: c.5999G>T, p.Gly2000Val (NM_001425324.1); short protein forms G2074V, G2000V.
Identifiers: ClinVar variation 689736 (VCV000689736.20), dbSNP rs367839100, ClinGen allele CA956985.

ClinVar aggregate classification (germline): Pathogenic/Likely pathogenic. Review status: criteria provided, multiple submitters, no conflicts (2 of 4 stars). 6 submissions from 6 submitters: Pathogenic (4); Likely pathogenic (2). Last evaluated 2026-09-14.

Conditions:
ABCA4-related disorder. Also called: ABCA4-related condition; ABCA4-related disorders. Identifiers: MedGen CN239167.
Severe early-childhood-onset retinal dystrophy (STGD1). Also called: MACULAR DYSTROPHY WITH FLECKS, TYPE 1; STGD; Stargardt macular dystrophy; Juvenile onset macular degeneration; Stargardt disease 1. Identifiers: Orphanet 364055, Orphanet 827, MedGen C1855465, MeSH D000080362, MONDO:0009549, OMIM 248200.
Retinitis pigmentosa 19 (RP19). Also called: ABCA4-Related Retinitis Pigmentosa. Identifiers: Orphanet 791, MedGen C1866422, MONDO:0011137, OMIM 601718.
Cone-rod dystrophy 3 (CORD3). Identifiers: Orphanet 1872, MedGen C1858806, MONDO:0011395, OMIM 604116.

Submissions (6):

PreventionGenetics, part of Exact Sciences
Classification: Pathogenic for ABCA4-related condition. Last evaluated: 2026-09-14. Review status: criteria provided, single submitter. Criteria: ACMG Guidelines, 2015. Collection method: clinical testing. Allele origin: germline.
Comment: The ABCA4 c.6221G>T variant is predicted to result in the amino acid substitution p.Gly2074Val. This variant has been reported in the compound heterozygous state in several individuals with ABCA4-related retinal disease (Chacón-Camacho et al. 2013. PubMed ID: 23419329; Alapati et al. 2014. PubMed ID: 25082885; Table S1, Fujinami et al 2019. PubMed ID: 29925512; Zenteno et al. 2019. PubMed ID: 31736247). This variant is reported in 0.026% of alleles in individuals of Latino descent in gnomAD. This variant is interpreted as pathogenic.

3billion
Classification: Pathogenic for ABCA4-related disorder. Last evaluated: 2026-01-13. Review status: criteria provided, single submitter. Criteria: ACMG Guidelines, 2015. Collection method: clinical testing. Allele origin: germline. Affected: yes.
Comment: The variant is observed at an extremely low frequency in the gnomAD v4.1.0 dataset (total allele frequency: <0.001%). Predicted Consequence/Location: Missense variant In silico tool predictions suggest damaging effect of the variant on gene or gene product [REVEL: 0.99 (>=0.6, sensitivity 0.68 and specificity 0.92); 3Cnet: 0.99 (> 0.75, sensitivity 0.96 and precision 0.92)]. The same nucleotide change resulting in the same amino acid change has been previously reported as pathogenic/likely pathogenic with strong evidence (ClinVar ID: VCV000689736 /PMID: 23419329 /3billion dataset). The variant has been reported to be in trans with a pathogenic variant as either compound heterozygous or homozygous in at least one similarly affected unrelated individual (PMID: 23419329). Different missense changes at the same codon (p.Gly2074Asp, p.Gly2074Cys, p.Gly2074Ser) have been reported as pathogenic/likely pathogenic with strong evidence (ClinVar ID: VCV001071049, VCV001437316, VCV003238953 /PMID: 18652558, 25412400). Therefore, this variant is classified as Pathogenic according to the recommendation of ACMG/AMP guideline.

Labcorp Genetics (formerly Invitae), Labcorp
Classification: Pathogenic. Last evaluated: 2025-08-22. Review status: criteria provided, single submitter. Criteria: Invitae Variant Classification Sherloc (09022015). Collection method: clinical testing. Allele origin: germline.
Comment: This sequence change replaces glycine, which is neutral and non-polar, with valine, which is neutral and non-polar, at codon 2074 of the ABCA4 protein (p.Gly2074Val). This variant is present in population databases (rs367839100, gnomAD 0.03%). This missense change has been observed in individuals with Stargardt disease (PMID: 23419329, 25082885, 29925512; internal data). ClinVar contains an entry for this variant (Variation ID: 689736). Invitae Evidence Modeling of protein sequence and biophysical properties (such as structural, functional, and spatial information, amino acid conservation, physicochemical variation, residue mobility, and thermodynamic stability) indicates that this missense variant is expected to disrupt ABCA4 protein function with a positive predictive value of 95%. This variant disrupts the p.Gly2074 amino acid residue in ABCA4. Other variant(s) that disrupt this residue have been observed in individuals with ABCA4-related conditions (PMID: 25412400), which suggests that this may be a clinically significant amino acid residue. For these reasons, this variant has been classified as Pathogenic.

GeneDx
Classification: Likely pathogenic. Last evaluated: 2024-06-27. Review status: criteria provided, single submitter. Criteria: GeneDx Variant Classification Process June 2021. Collection method: clinical testing. Allele origin: germline. Affected: yes.
Comment: In silico analysis supports that this missense variant has a deleterious effect on protein structure/function; This variant is associated with the following publications: (PMID: 23419329, 25082885, 29925512, 31736247, 25412400, 31216405, 31964843, 36087940, 35120629, 38347443)

Blueprint Genetics
Classification: Pathogenic for ABCA4-related disorders. Last evaluated: 2022-09-27. Review status: criteria provided, single submitter. Criteria: ACMG Guidelines, 2015. Collection method: clinical testing. Allele origin: germline. Affected: yes. Observed: 5 variant alleles.

Baylor Genetics
Classification: Likely pathogenic for Cone-rod dystrophy 3; Retinitis pigmentosa 19; Severe early-childhood-onset retinal dystrophy. Last evaluated: 2018-10-12. Review status: criteria provided, single submitter. Criteria: ACMG Guidelines, 2015. Collection method: clinical testing. Allele origin: germline. Affected: yes.

Literature cited by the submitters: PubMed 18652558 (cited by 3billion); PubMed 23419329 (cited by 3 submitters); PubMed 25082885 (cited by Labcorp Genetics (formerly Invitae), Labcorp and Baylor Genetics); PubMed 29925512 (cited by Labcorp Genetics (formerly Invitae), Labcorp); PubMed 25412400 (cited by Labcorp Genetics (formerly Invitae), Labcorp).